The following is an entry in ClinVar:

NM_198578.4(LRRK2):c.2906G>A (p.Arg969Lys)

Gene: LRRK2 (leucine rich repeat kinase 2; plus strand). Cytogenetic location: 12q12.
Variant type: single nucleotide variant.
Coding change: c.2906G>A on transcript NM_198578.4 (MANE Select); coding-DNA position 2906, G replaced by A.
Protein change: p.Arg969Lys; replaces arginine 969 with lysine.
Molecular consequence: missense variant.
Genome position (GRCh38, 1-based): chr12:40,295,454, G>A. VCF-style: chr12-40295454-G-A. GRCh37 (hg19) VCF-style: chr12-40689256-G-A.
Other names: short protein forms R969K.
Identifiers: ClinVar variation 1523683 (VCV001523683.8), dbSNP rs200577947, ClinGen allele CA235346819.

ClinVar aggregate classification (germline): Uncertain significance (1 of 4 stars; one submission).

Conditions:
Autosomal dominant Parkinson disease 8. Also called: LRRK2-Related Parkinson Disease; Parkinson disease 8; Parkinson disease 8, susceptibility to. Identifiers: Orphanet 411602, MedGen C1846862, MONDO:0011764, OMIM 607060.

Allele frequency attached by ClinVar (database versions not stated): TOPMed below 0.00001; gnomAD 0.00001 and 0.00002.
gnomAD v4.1: 35 of 1,613,134 alleles (0.0022%); highest among the groups gnomAD compares: Non-Finnish European, 0.0027%; 1 homozygote.

Submission:

Labcorp Genetics (formerly Invitae), Labcorp
Classification: Uncertain significance for Autosomal dominant Parkinson disease 8. Last evaluated: 2023-10-07. Review status: criteria provided, single submitter. Criteria: Invitae Variant Classification Sherloc (09022015). Collection method: clinical testing. Allele origin: germline.
Comment: This sequence change replaces arginine, which is basic and polar, with lysine, which is basic and polar, at codon 969 of the LRRK2 protein (p.Arg969Lys). This variant is present in population databases (rs200577947, gnomAD 0.003%). This variant has not been reported in the literature in individuals affected with LRRK2-related conditions. ClinVar contains an entry for this variant (Variation ID: 1523683). Advanced modeling of protein sequence and biophysical properties (such as structural, functional, and spatial information, amino acid conservation, physicochemical variation, residue mobility, and thermodynamic stability) performed at Invitae indicates that this missense variant is not expected to disrupt LRRK2 protein function. In summary, the available evidence is currently insufficient to determine the role of this variant in disease. Therefore, it has been classified as a Variant of Uncertain Significance.